The following is an entry in ClinVar:

NM_007294.4(BRCA1):c.1586del (p.Pro529fs)

Gene: BRCA1 (BRCA1 DNA repair associated; minus strand). Cytogenetic location: 17q21.31.
Variant type: Deletion.
Coding change: c.1586del on transcript NM_007294.4 (MANE Select); coding-DNA position 1586, one base deleted (C; older notation c.1586delC).
Protein change: p.Pro529fs; shifts the reading frame from proline 529.
Molecular consequence: frameshift variant. On other transcripts: intron variant (137).
Genome position (GRCh38, 1-based): chr17:43,093,945, G deleted on the plus strand (C on the coding strand, the reverse complement: BRCA1 is on the minus strand); the first of 2 consecutive G bases (chr17:43,093,945-43,093,946); deleting either gives the same sequence. VCF-style (leftmost placement, unchanged base first): chr17-43093944-AG-A. GRCh37 (hg19) VCF-style: chr17-41245961-AG-A.
Other names: c.787+799del (NM_001407982.1, NM_001407970.1, NM_001407980.1 and 19 more transcripts); c.577+799del (NM_001408483.1, NM_001408481.1, NM_001408480.1 and 9 more transcripts); c.664+799del (NM_001408442.1, NM_001408426.1, NM_001408436.1 and 12 more transcripts); c.1586del, p.Pro529fs (NM_001407582.1, NM_001407583.1, NM_001407585.1 and 30 more transcripts); c.1373del, p.Pro458fs (NM_001407571.1, NM_001407853.1, NM_001407894.1 and 9 more transcripts); c.1586delC (NM_007294.3); c.1583del, p.Pro528fs (NM_001407587.1, NM_001407590.1, NM_001407591.1 and 22 more transcripts); c.1577del, p.Pro526fs (NM_001407646.1, NM_001407647.1); and 41 more; short protein forms P482fs, P529fs, P233fs, P402fs, P417fs, P418fs, P459fs, P502fs.
Identifiers: ClinVar variation 1775802 (VCV001775802.2), dbSNP rs2552201554, ClinGen allele CA2580093797.

ClinVar aggregate classification (germline): Pathogenic (1 of 4 stars; one submission).

Conditions:
Hereditary cancer-predisposing syndrome. Also called: Neoplastic Syndromes, Hereditary; Tumor predisposition; Hereditary Cancer Syndrome; Hereditary neoplastic syndrome. Identifiers: Orphanet 140162, MedGen C0027672, MeSH D009386, MONDO:0015356.

Submission:

Ambry Genetics
Classification: Pathogenic for Hereditary cancer-predisposing syndrome. Last evaluated: 2020-12-02. Review status: criteria provided, single submitter. Criteria: Ambry Variant Classification Scheme 2023. Collection method: clinical testing. Allele origin: germline.
Comment: The c.1586delC pathogenic mutation, located in coding exon 9 of the BRCA1 gene, results from a deletion of one nucleotide at nucleotide position 1586, causing a translational frameshift with a predicted alternate stop codon (p.P529Lfs*3). This alteration is expected to result in loss of function by premature protein truncation or nonsense-mediated mRNA decay. As such, this alteration is interpreted as a disease-causing mutation.